The following is an entry in ClinVar:

ClinVar aggregate classification (germline): Uncertain significance. Review status: criteria provided, multiple submitters, no conflicts (2 of 4 stars). 2 submissions from 2 submitters: Uncertain significance (2). Last evaluated 2025-08-29.

Conditions:
Hereditary cancer-predisposing syndrome. Also called: Neoplastic Syndromes, Hereditary; Hereditary Cancer Syndrome; Tumor predisposition; Hereditary neoplastic syndrome. Identifiers: Orphanet 140162, MedGen C0027672, MeSH D009386, MONDO:0015356.
Multiple endocrine neoplasia type 4. Also called: MULTIPLE ENDOCRINE NEOPLASIA, TYPE IV. Identifiers: Orphanet 276152, MedGen C1970712, MONDO:0012552, OMIM 610755.

Allele frequency attached by ClinVar (database versions not stated): TOPMed 0.00001.
gnomAD v4.1: 3 of 1,614,220 alleles (0.00019%); highest among the groups gnomAD compares: Non-Finnish European, 0.00017%; no homozygotes.

Submissions (2):

Ambry Genetics
Classification: Uncertain significance for Hereditary cancer-predisposing syndrome. Last evaluated: 2025-08-29. Review status: criteria provided, single submitter. Criteria: Ambry Variant Classification Scheme 2023. Collection method: clinical testing. Allele origin: germline.
Comment: The p.P91A variant (also known as c.271C>G), located in coding exon 1 of the CDKN1B gene, results from a C to G substitution at nucleotide position 271. The proline at codon 91 is replaced by alanine, an amino acid with highly similar properties. This amino acid position is highly conserved through mammals but not in all available vertebrate species. In addition, this alteration is predicted to be tolerated by in silico analysis. Since supporting evidence is limited at this time, the clinical significance of this alteration remains unclear.

Labcorp Genetics (formerly Invitae), Labcorp
Classification: Uncertain significance for Multiple endocrine neoplasia type 4. Last evaluated: 2023-12-13. Review status: criteria provided, single submitter. Criteria: Invitae Variant Classification Sherloc (09022015). Collection method: clinical testing. Allele origin: germline.
Comment: This sequence change replaces proline, which is neutral and non-polar, with alanine, which is neutral and non-polar, at codon 91 of the CDKN1B protein (p.Pro91Ala). This variant is present in population databases (rs769828807, gnomAD no frequency). This variant has not been reported in the literature in individuals affected with CDKN1B-related conditions. ClinVar contains an entry for this variant (Variation ID: 1035960). Algorithms developed to predict the effect of missense changes on protein structure and function output the following: SIFT: "Not Available"; PolyPhen-2: "Benign"; Align-GVGD: "Not Available". The alanine amino acid residue is found in multiple mammalian species, which suggests that this missense change does not adversely affect protein function. In summary, the available evidence is currently insufficient to determine the role of this variant in disease. Therefore, it has been classified as a Variant of Uncertain Significance.

NM_004064.5(CDKN1B):c.271C>G (p.Pro91Ala)

Gene: CDKN1B (cyclin dependent kinase inhibitor 1B; plus strand). Cytogenetic location: 12p13.1.
Variant type: single nucleotide variant.
Coding change: c.271C>G on transcript NM_004064.5 (MANE Select); coding-DNA position 271, C replaced by G.
Protein change: p.Pro91Ala; replaces proline 91 with alanine.
Molecular consequence: missense variant.
Genome position (GRCh38, 1-based): chr12:12,718,110, C>G. VCF-style: chr12-12718110-C-G. GRCh37 (hg19) VCF-style: chr12-12871044-C-G.
Other names: short protein forms P91A.
Identifiers: ClinVar variation 1035960 (VCV001035960.10), dbSNP rs769828807, ClinGen allele CA6457434.